The following is an entry in ClinVar:

NM_018677.4(ACSS2):c.318T>G (p.Asn106Lys)

Gene: ACSS2 (acyl-CoA synthetase short chain family member 2; plus strand). Cytogenetic location: 20q11.22.
Variant type: single nucleotide variant.
Coding change: c.318T>G on transcript NM_018677.4 (MANE Select); coding-DNA position 318, T replaced by G.
Protein change: p.Asn106Lys; replaces asparagine 106 with lysine.
Molecular consequence: missense variant.
Genome position (GRCh38, 1-based): chr20:34,882,933, T>G. VCF-style: chr20-34882933-T-G. GRCh37 (hg19) VCF-style: chr20-33470736-T-G.
Other names: c.318T>G, p.Asn106Lys (NM_001076552.3); c.33T>G, p.Asn11Lys (NM_001242393.2); short protein forms N106K, N11K.
Identifiers: ClinVar variation 4982716 (VCV004982716.1).

ClinVar aggregate classification (germline): Uncertain significance (1 of 4 stars; one submission).

Conditions:
ACSS2-related disorder. Also called: ACSS2-related condition.

Submission:

PreventionGenetics, part of Exact Sciences
Classification: Uncertain significance for ACSS2-related condition. Last evaluated: 2026-02-10. Review status: criteria provided, single submitter. Criteria: ACMG Guidelines, 2015. Collection method: clinical testing. Allele origin: germline.
Comment: The ACSS2 c.318T>G variant is predicted to result in the amino acid substitution p.Asn106Lys. To our knowledge, this variant has not been reported in the literature or in a large population database (gnomAD), indicating this variant is rare. At this time, the clinical significance of this variant is uncertain due to the absence of conclusive functional and genetic evidence.